The following is an entry in ClinVar:

NM_001367823.1(ARHGEF18):c.2089T>G (p.Ser697Ala)

Gene: ARHGEF18 (Rho/Rac guanine nucleotide exchange factor 18; plus strand). Cytogenetic location: 19p13.2.
Variant type: single nucleotide variant.
Coding change: c.2089T>G on transcript NM_001367823.1 (MANE Select); coding-DNA position 2089, T replaced by G.
Protein change: p.Ser697Ala; replaces serine 697 with alanine.
Molecular consequence: missense variant.
Genome position (GRCh38, 1-based): chr19:7,453,700, T>G. VCF-style: chr19-7453700-T-G. GRCh37 (hg19) VCF-style: chr19-7518586-T-G.
Other names: c.1363T>G, p.Ser455Ala (NM_001130955.2); c.1051T>G, p.Ser351Ala (NM_001367824.1, NM_015318.4); short protein forms S351A, S697A, S455A.
Identifiers: ClinVar variation 1033723 (VCV001033723.1), dbSNP rs1250391682, ClinGen allele CA403113996.

ClinVar aggregate classification (germline): Uncertain significance (1 of 4 stars; one submission).

Conditions:
Retinitis pigmentosa 78 (RP78). Identifiers: MedGen C4479481, MONDO:0044314, OMIM 617433.

Allele frequency attached by ClinVar (database versions not stated): gnomAD exomes below 0.00001; TOPMed below 0.00001; gnomAD 0.00001.
gnomAD v4.1: 2 of 1,569,300 alleles (0.00013%); highest among the groups gnomAD compares: Non-Finnish European, 0.00017%; no homozygotes.

Submission:

Baylor Genetics
Classification: Uncertain significance for Retinitis pigmentosa 78. Last evaluated: 2018-06-22. Review status: criteria provided, single submitter. Criteria: ACMG Guidelines, 2015. Collection method: clinical testing. Allele origin: unknown. Affected: yes.
Comment: This variant was determined to be of uncertain significance according to ACMG Guidelines, 2015 [PMID:25741868].